The following is an entry in ClinVar:

ClinVar aggregate classification (germline): Uncertain significance (1 of 4 stars; one submission).

Conditions:
Myofibrillar myopathy 4. Also called: Zaspopathy (type). Identifiers: Orphanet 98912, MedGen C4721886, MONDO:0012277, OMIM 609452.

Submission:

Labcorp Genetics (formerly Invitae), Labcorp
Classification: Uncertain significance for Myofibrillar myopathy 4. Last evaluated: 2025-05-19. Review status: criteria provided, single submitter. Criteria: Invitae Variant Classification Sherloc (09022015). Collection method: clinical testing. Allele origin: germline.
Comment: The LDB3 gene has multiple clinically relevant transcripts. This variant occurs in alternate transcript NM_007078.3, and corresponds to NM_001080116.1:c.321+1416_321+1418del in the primary transcript. This variant, c.459_461del, results in the deletion of 1 amino acid(s) of the LDB3 protein (p.Ser154del), but otherwise preserves the integrity of the reading frame. This variant is present in population databases (no rsID available, gnomAD 0.003%). This variant has not been reported in the literature in individuals affected with LDB3-related conditions. ClinVar contains an entry for this variant (Variation ID: 2191683). Experimental studies and prediction algorithms are not available or were not evaluated, and the functional significance of this variant is currently unknown. Algorithms developed to predict the effect of sequence changes on RNA splicing suggest that this variant is not likely to affect RNA splicing. In summary, the available evidence is currently insufficient to determine the role of this variant in disease. Therefore, it has been classified as a Variant of Uncertain Significance.

NM_007078.3(LDB3):c.456CTC[1] (p.Ser154del)

Gene: LDB3 (LIM domain binding 3; plus strand). Cytogenetic location: 10q23.2.
Variant type: Microsatellite.
Coding change: c.456CTC[1] on transcript NM_007078.3 (MANE Select); one copy of the 3-base unit CTC starting at c.456; the reference has two copies in a row; one copy, 3 bases deleted.
Protein change: p.Ser154del; deletes serine 154.
Molecular consequence: inframe deletion. On other transcripts: intron variant (5).
Genome position (GRCh38, 1-based): chr10:86,681,573-86,681,575, CTC deleted; deleting any 3 consecutive bases within chr10:86,681,570-86,681,575 gives the same sequence; the position shown is the placement nearest the transcript's 3' end. VCF-style (leftmost placement, unchanged base first): chr10-86681569-TCTC-T. GRCh37 (hg19) VCF-style: chr10-88441326-TCTC-T.
Other names: c.321+1416_321+1418del (NM_001080114.2, NM_001368067.1, NM_001080116.1 and 2 more transcripts); c.456CTC[1], p.Ser154del (NM_001080115.2, NM_001171610.2, NM_001171611.2 and 3 more transcripts); short protein forms S154del.
Identifiers: ClinVar variation 2191683 (VCV002191683.4), dbSNP rs1412811815, ClinGen allele CA470374311.